The following is an entry in ClinVar:

NM_001014.5(RPS10):c.1A>G (p.Met1Val)

Genes: RPS10 (ribosomal protein S10; minus strand), RPS10-NUDT3 (RPS10-NUDT3 readthrough; minus strand). Cytogenetic location: 6p21.31.
Variant type: single nucleotide variant.
Coding change: c.1A>G on transcript NM_001014.5 (MANE Select); coding-DNA position 1, A replaced by G.
Protein change: p.Met1Val; changes the start codon (methionine 1).
Molecular consequence: missense variant, initiator codon variant.
Genome position (GRCh38, 1-based): chr6:34,425,221, T>C on the plus strand (A>G on the coding strand, the complement: RPS10 is on the minus strand). VCF-style: chr6-34425221-T-C. GRCh37 (hg19) VCF-style: chr6-34392998-T-C.
Other names: c.1A>G, p.Met1Val (NM_001203245.3, NM_001204091.2, NM_001202470.3); short protein forms M1V.
Identifiers: ClinVar variation 1069428 (VCV001069428.10), dbSNP rs2113806114, ClinGen allele CA363885985.
Genomic context (GRCh38, chr6:34,425,221, plus strand): 5'-TGACTCCCTCCTTAAAAAGGAGTTCATAAATGGCAATCCGGTTCTTCTTAGGCATCAACA[T>C]CTGCAAGAAGGAGACGATTGTCAAGAGCACTTCTGAGTAACGAGGCCGGGGCCCGGTAAT-3'
Protein context (NP_001005.1, residues 1-11): [Met1Val]LMPKKNRIAI

ClinVar aggregate classification (germline): Pathogenic (1 of 4 stars; one submission).

Conditions:
Diamond-Blackfan anemia. Also called: Aase syndrome; Blackfan Diamond syndrome; Aregenerative anemia chronic congenital; Red cell aplasia, pure hereditary; Congenital hypoplastic anemia. Identifiers: Orphanet 124, MedGen C1260899, MeSH D029503, MONDO:0015253, HP:0004810.

Submission:

Labcorp Genetics (formerly Invitae), Labcorp
Classification: Pathogenic for Diamond-Blackfan anemia. Last evaluated: 2020-09-15. Review status: criteria provided, single submitter. Criteria: Invitae Variant Classification Sherloc (09022015). Collection method: clinical testing. Allele origin: germline.
Comment: For these reasons, this variant has been classified as Pathogenic. Algorithms developed to predict the effect of sequence changes on RNA splicing suggest that this variant may create or strengthen a splice site, but this prediction has not been confirmed by published transcriptional studies. Disruption of the initiator codon has been observed in individuals with clinical features of Diamond-Blackfan anemia (PMID: 20116044, Invitae). In at least one individual the variant was observed to be de novo. This variant is not present in population databases (ExAC no frequency). This sequence change affects the initiator methionine of the RPS10 mRNA. The next in-frame methionine is located at codon 3.

Literature cited by the submitters: PubMed 20116044.